The following is an entry in ClinVar:

ClinVar aggregate classification (germline): Likely benign (1 of 4 stars; one submission).

Conditions:
FLT4-related disorder. Also called: FLT4-related condition.

gnomAD v4.1: 31 of 1,613,964 alleles (0.0019%); highest among the groups gnomAD compares: East Asian, 0.031%; no homozygotes.

Submission:

PreventionGenetics, part of Exact Sciences
Classification: Likely benign for FLT4-related condition. Last evaluated: 2026-02-18. Review status: criteria provided, single submitter. Criteria: ACMG Guidelines, 2015. Collection method: clinical testing. Allele origin: germline.
Comment: This variant is classified as likely benign based on ACMG/AMP sequence variant interpretation guidelines (Richards et al. 2015 PMID: 25741868, with internal and published modifications).

NM_182925.5(FLT4):c.4062C>T (p.Arg1354=)

Gene: FLT4 (fms related receptor tyrosine kinase 4; minus strand). Cytogenetic location: 5q35.3.
Variant type: single nucleotide variant.
Coding change: c.4062C>T on transcript NM_182925.5 (MANE Select); coding-DNA position 4062, C replaced by T.
Protein change: p.Arg1354=; no amino-acid change (arginine 1354 retained).
Molecular consequence: synonymous variant.
Genome position (GRCh38, 1-based): chr5:180,603,222, G>A on the plus strand (C>T on the coding strand, the complement: FLT4 is on the minus strand). VCF-style: chr5-180603222-G-A. GRCh37 (hg19) VCF-style: chr5-180030222-G-A.
Identifiers: ClinVar variation 4978179 (VCV004978179.1).